The following is an entry in ClinVar:

NM_000348.4(SRD5A2):c.428A>T (p.Asp143Val)

Gene: SRD5A2 (steroid 5 alpha-reductase 2; minus strand). Cytogenetic location: 2p23.1.
Variant type: single nucleotide variant.
Coding change: c.428A>T on transcript NM_000348.4 (MANE Select); coding-DNA position 428, A replaced by T.
Protein change: p.Asp143Val; replaces aspartic acid 143 with valine.
Molecular consequence: missense variant.
Genome position (GRCh38, 1-based): chr2:31,533,620, T>A on the plus strand (A>T on the coding strand, the complement: SRD5A2 is on the minus strand). VCF-style: chr2-31533620-T-A. GRCh37 (hg19) VCF-style: chr2-31758690-T-A.
Other names: short protein forms D143V.
Identifiers: ClinVar variation 2501393 (VCV002501393.2), dbSNP rs780448796, ClinGen allele CA1599944.

ClinVar aggregate classification (germline): Uncertain significance (1 of 4 stars; one submission).

Allele frequency attached by ClinVar (database versions not stated): gnomAD exomes below 0.00001; TOPMed 0.00002; ExAC 0.00004.
gnomAD v4.1: 3 of 1,552,272 alleles (0.00019%); highest among the groups gnomAD compares: African/African-American, 0.0041%; no homozygotes.

Submission:

GeneDx
Classification: Uncertain significance. Last evaluated: 2025-10-28. Review status: criteria provided, single submitter. Criteria: GeneDx Variant Classification Process June 2021. Collection method: clinical testing. Allele origin: germline. Affected: yes.
Comment: Missense variants in this gene are a common cause of disease and they are underrepresented in the general population; In silico analysis supports that this missense variant has a deleterious effect on protein structure/function; Has not been previously published as pathogenic or benign to our knowledge